The following is an entry in ClinVar:

ClinVar aggregate classification (germline): Pathogenic. Review status: criteria provided, multiple submitters, no conflicts (2 of 4 stars). 4 submissions from 4 submitters: Pathogenic (3). 1 of the submissions does not count toward it. Last evaluated 2025-11-24.

Conditions:
Mitochondrial disease. Also called: Mitochondrial disorders; Mitochondrial disorder. Identifiers: Orphanet 68380, MedGen C0751651, MeSH D028361, MONDO:0044970.

Allele frequency attached by ClinVar (database versions not stated): gnomAD exomes 0.00004.

Submissions (4):

Genomenon, Inc
Classification: Pathogenic for Mitochondrial disease. Last evaluated: 2025-11-24. Review status: criteria provided, single submitter. Criteria: Genomenon Sequence Variant Interpretation Standards - Updated. Collection method: curation. Allele origin: germline. Affected: yes.
Comment: TK2 p.Gln35Ter (c.103C>T) is a nonsense variant that introduces a premature stop codon at amino acid position 35, creating a truncated protein which is predicted to have a deleterious effect on TK2 gene function. This variant has been observed in a proband affected with mitochondrial disease in the compound heterozygous state (24198295). This variant is not present at a significant frequency in gnomAD. In conclusion, we classify TK2 p.Gln35Ter (c.103C>T) as a pathogenic variant.

GeneDx
Classification: Pathogenic. Last evaluated: 2025-10-31. Review status: criteria provided, single submitter. Criteria: GeneDx Variant Classification Process June 2021. Collection method: clinical testing. Allele origin: germline. Affected: yes.
Comment: Nonsense variant predicted to result in protein truncation or nonsense mediated decay in a gene for which loss of function is a known mechanism of disease; Not observed at significant frequency in large population cohorts (gnomAD); This variant is associated with the following publications: (PMID: 29602790, 24198295)

Labcorp Genetics (formerly Invitae), Labcorp
Classification: Pathogenic. Last evaluated: 2024-02-20. Review status: criteria provided, single submitter. Criteria: Invitae Variant Classification Sherloc (09022015). Collection method: clinical testing. Allele origin: germline.
Comment: This sequence change creates a premature translational stop signal (p.Gln35*) in the TK2 gene. It is expected to result in an absent or disrupted protein product. Loss-of-function variants in TK2 are known to be pathogenic (PMID: 20421844). The frequency data for this variant in the population databases is considered unreliable, as metrics indicate poor data quality at this position in the gnomAD database. This premature translational stop signal has been observed in individual(s) with clinical features of TK2-related conditions (PMID: 24198295). ClinVar contains an entry for this variant (Variation ID: 280013). For these reasons, this variant has been classified as Pathogenic.

Department of Pathology and Laboratory Medicine, Sinai Health System
Classification: Likely pathogenic. Review status: no assertion criteria provided. Collection method: clinical testing. Allele origin: unknown. Affected: yes. Study: The Canadian Open Genetics Repository (COGR). Not counted in ClinVar's aggregate classification.
Comment: The variant was identified in dbSNP (ID: rs886041321) and ClinVar (classified as pathogenic by GeneDx). The variant was identified in control databases in 2 of 56304 chromosomes at a frequency of 0.00003552 (Genome Aggregation Database March 6, 2019, v2.1.1). The variant was observed in the European (non-Finnish) population in 2 of 24822 chromosomes (freq: 0.000081), but was not observed in the African, Latino, Ashkenazi Jewish, East Asian, European (Finnish), Other, or South Asian populations. The c.103C>T variant leads to a premature stop codon at position 35 which is predicted to lead to a truncated or absent protein and loss of function. Loss of function variants of the TK2 gene have been reported as a mechanism of disease in Mitochondrial DNA depletion syndrome 2 (myopathic type) and is the type of variant expected to cause the disorder when found in the homozygous or compound heterozygous state. The variant occurs outside of the splicing consensus sequence and in silico or computational prediction software programs (SpliceSiteFinder, MaxEntScan, NNSPLICE, GeneSplicer) do not predict a difference in splicing. In summary, based on the above information the clinical significance of this variant cannot be determined with certainty at this time although we would lean towards a more pathogenic role for this variant. This variant is classified as likely pathogenic.

Literature cited by the submitters: PubMed 24198295 (cited by Genomenon, Inc and Labcorp Genetics (formerly Invitae), Labcorp); PubMed 20421844 (cited by Labcorp Genetics (formerly Invitae), Labcorp).

NM_004614.5(TK2):c.103C>T (p.Gln35Ter)

Genes: TK2 (thymidine kinase 2; minus strand), LOC130059156 (ATAC-STARR-seq lymphoblastoid silent region 7560; plus strand). Cytogenetic location: 16q21.
Variant type: single nucleotide variant.
Coding change: c.103C>T on transcript NM_004614.5 (MANE Select); coding-DNA position 103, C replaced by T.
Protein change: p.Gln35Ter; replaces glutamine 35 with a stop codon.
Molecular consequence: nonsense. On other transcripts: 5 prime UTR variant (2), non-coding transcript variant (1), intron variant (2).
Genome position (GRCh38, 1-based): chr16:66,549,959, G>A on the plus strand (C>T on the coding strand, the complement: TK2 is on the minus strand). VCF-style: chr16-66549959-G-A. GRCh37 (hg19) VCF-style: chr16-66583862-G-A.
Other names: c.103C>T, p.Gln35Ter (NM_001172644.2, NM_001172645.2); c.-140C>T (NM_001271934.2); c.-550C>T (NM_001272050.2); c.31+294C>T (NM_001271935.1, NM_001172643.1); short protein forms Q35*.
Identifiers: ClinVar variation 280013 (VCV000280013.14), dbSNP rs886041321, ClinGen allele CA10603421.